The following is an entry in ClinVar:

NM_144997.7(FLCN):c.1265C>G (p.Pro422Arg)

Gene: FLCN (folliculin; minus strand). Cytogenetic location: 17p11.2.
Variant type: single nucleotide variant.
Coding change: c.1265C>G on transcript NM_144997.7 (MANE Select); coding-DNA position 1265, C replaced by G.
Protein change: p.Pro422Arg; replaces proline 422 with arginine.
Molecular consequence: missense variant.
Genome position (GRCh38, 1-based): chr17:17,216,415, G>C on the plus strand (C>G on the coding strand, the complement: FLCN is on the minus strand). VCF-style: chr17-17216415-G-C. GRCh37 (hg19) VCF-style: chr17-17119729-G-C.
Other names: c.1265C>G (LRG_325t1); c.1319C>G, p.Pro440Arg (NM_001353229.2); c.1265C>G, p.Pro422Arg (NM_001353230.2, NM_001353231.2); short protein forms P422R, P440R.
Identifiers: ClinVar variation 582742 (VCV000582742.7), dbSNP rs565447853, ClinGen allele CA398531689.

ClinVar aggregate classification (germline): Uncertain significance. Review status: criteria provided, multiple submitters, no conflicts (2 of 4 stars). 2 submissions from 2 submitters: Uncertain significance (2). Last evaluated 2025-05-31.

Conditions:
Birt-Hogg-Dube syndrome. Also called: Birt Hogg Dubé syndrome. Identifiers: Orphanet 122, MedGen C0346010, MONDO:0800444.
Hereditary cancer-predisposing syndrome. Also called: Neoplastic Syndromes, Hereditary; Hereditary Cancer Syndrome; Tumor predisposition; Hereditary neoplastic syndrome. Identifiers: Orphanet 140162, MedGen C0027672, MeSH D009386, MONDO:0015356.

Submissions (2):

Ambry Genetics
Classification: Uncertain significance for Hereditary cancer-predisposing syndrome. Last evaluated: 2025-05-31. Review status: criteria provided, single submitter. Criteria: Ambry Variant Classification Scheme 2023. Collection method: clinical testing. Allele origin: germline.
Comment: The p.P422R variant (also known as c.1265C>G), located in coding exon 8 of the FLCN gene, results from a C to G substitution at nucleotide position 1265. The proline at codon 422 is replaced by arginine, an amino acid with dissimilar properties. This amino acid position is conserved. In addition, this alteration is predicted to be deleterious by in silico analysis. Based on the available evidence, the clinical significance of this variant remains unclear.

Labcorp Genetics (formerly Invitae), Labcorp
Classification: Uncertain significance for Birt-Hogg-Dube syndrome. Last evaluated: 2018-05-08. Review status: criteria provided, single submitter. Criteria: Invitae Variant Classification Sherloc (09022015). Collection method: clinical testing. Allele origin: germline.
Comment: In summary, the available evidence is currently insufficient to determine the role of this variant in disease. Therefore, it has been classified as a Variant of Uncertain Significance. Algorithms developed to predict the effect of missense changes on protein structure and function (SIFT, PolyPhen-2, Align-GVGD) all suggest that this variant is likely to be tolerated, but these predictions have not been confirmed by published functional studies and their clinical significance is uncertain. This variant has not been reported in the literature in individuals with FLCN-related disease. This variant is not present in population databases (ExAC no frequency). This sequence change replaces proline with arginine at codon 422 of the FLCN protein (p.Pro422Arg). The proline residue is highly conserved and there is a moderate physicochemical difference between proline and arginine.